The following is an entry in ClinVar:

NM_001365951.3(KIF1B):c.4015A>G (p.Ile1339Val)

Gene: KIF1B (kinesin family member 1B; plus strand). Cytogenetic location: 1p36.22.
Variant type: single nucleotide variant.
Coding change: c.4015A>G on transcript NM_001365951.3 (MANE Select); coding-DNA position 4015, A replaced by G.
Protein change: p.Ile1339Val; replaces isoleucine 1339 with valine.
Molecular consequence: missense variant.
Genome position (GRCh38, 1-based): chr1:10,352,696, A>G. VCF-style: chr1-10352696-A-G. GRCh37 (hg19) VCF-style: chr1-10412754-A-G.
Other names: c.4015A>G, p.Ile1339Val (NM_001365952.1); c.3877A>G, p.Ile1293Val (NM_015074.3); short protein forms I1293V, I1339V.
Identifiers: ClinVar variation 1735757 (VCV001735757.2), dbSNP rs749926351, ClinGen allele CA581959.

ClinVar aggregate classification (germline): Uncertain significance (1 of 4 stars; one submission).

Allele frequency attached by ClinVar (database versions not stated): gnomAD exomes below 0.00001; ExAC 0.00001.
gnomAD v4.1: 6 of 1,614,006 alleles (0.00037%); highest among the groups gnomAD compares: Non-Finnish European, 0.00051%; no homozygotes.

Submission:

Ambry Genetics
Classification: Uncertain significance. Last evaluated: 2023-12-29. Review status: criteria provided, single submitter. Criteria: Ambry Variant Classification Scheme 2023. Collection method: clinical testing. Allele origin: germline.
Comment: The p.I1293V variant (also known as c.3877A>G), located in coding exon 35 of the KIF1B gene, results from an A to G substitution at nucleotide position 3877. The isoleucine at codon 1293 is replaced by valine, an amino acid with highly similar properties. This amino acid position is highly conserved in available vertebrate species. In addition, this alteration is predicted to be tolerated by in silico analysis. Since supporting evidence is limited at this time, the clinical significance of this alteration remains unclear.